The following is an entry in ClinVar:

NM_000061.3(BTK):c.1701A>G (p.Glu567=)

Gene: BTK (Bruton tyrosine kinase; minus strand). Cytogenetic location: Xq22.1.
Variant type: single nucleotide variant.
Coding change: c.1701A>G on transcript NM_000061.3 (MANE Select); coding-DNA position 1701, A replaced by G.
Protein change: p.Glu567=; no amino-acid change (glutamic acid 567 retained).
Molecular consequence: synonymous variant.
Genome position (GRCh38, 1-based): chrX:101,353,919, T>C on the plus strand (A>G on the coding strand, the complement: BTK is on the minus strand). VCF-style: chrX-101353919-T-C. GRCh37 (hg19) VCF-style: chrX-100608907-T-C.
Other names: c.1803A>G, p.Glu601= (NM_001287344.2); c.1173A>G, p.Glu391= (NM_001287345.2).
Identifiers: ClinVar variation 724807 (VCV000724807.16), dbSNP rs146681416, ClinGen allele CA10472986.

ClinVar aggregate classification (germline): Benign/Likely benign. Review status: criteria provided, multiple submitters, no conflicts (2 of 4 stars). 6 submissions from 6 submitters: Benign (1); Likely benign (3). 2 of the submissions do not count toward it. Last evaluated 2026-09-01.

Conditions:
X-linked agammaglobulinemia with growth hormone deficiency (IGHD3). Also called: AGAMMAGLOBULINEMIA AND ISOLATED GROWTH HORMONE DEFICIENCY, X-LINKED; FLEISHER SYNDROME; HYPOGAMMAGLOBULINEMIA AND ISOLATED GROWTH HORMONE DEFICIENCY, X-LINKED; IGHD III; Isolated growth hormone deficiency type 3; Growth hormone deficiency with hypogammaglobulinemia. Identifiers: Orphanet 231692, Orphanet 631, MedGen C0472813, MONDO:0010615, OMIM 307200.

Allele frequency attached by ClinVar (database versions not stated): gnomAD exomes 0.00010 and 0.00013; ExAC 0.00015; ESP Exome Variant Server 0.00028; gnomAD 0.00029 and 0.00032; TOPMed 0.00037; 1000 Genomes Project 0.00053; 1000 Genomes Project 30x 0.00083.
gnomAD v4.1: 145 of 1,210,437 alleles (0.012%); highest among the groups gnomAD compares: African/African-American, 0.073%; no homozygotes.

Submissions (6):

CeGaT Center for Human Genetics Tuebingen
Classification: Likely benign. Last evaluated: 2026-09-01. Review status: criteria provided, single submitter. Criteria: CeGaT Center For Human Genetics Tuebingen Variant Classification Criteria Version 2. Collection method: clinical testing. Allele origin: germline. Affected: yes. Observed: 1 variant allele.
Comment: BTK: BP4, BP7, BS2

Labcorp Genetics (formerly Invitae), Labcorp
Classification: Benign for X-linked agammaglobulinemia with growth hormone deficiency. Last evaluated: 2026-01-26. Review status: criteria provided, single submitter. Criteria: Invitae Variant Classification Sherloc (09022015). Collection method: clinical testing. Allele origin: germline.

Women's Health and Genetics/Laboratory Corporation of America, LabCorp
Classification: Likely benign. Last evaluated: 2025-12-15. Review status: criteria provided, single submitter. Criteria: LabCorp Variant Classification Summary - May 2015. Collection method: clinical testing. Allele origin: germline.

Blueprint Genetics
Classification: Likely benign. Last evaluated: 2024-11-06. Review status: criteria provided, single submitter. Criteria: ACMG Guidelines, 2015. Collection method: clinical testing. Allele origin: germline.

Clinical Genetics DNA and cytogenetics Diagnostics Lab, Erasmus MC, Erasmus Medical Center
Classification: Likely benign. Review status: no assertion criteria provided. Collection method: clinical testing. Allele origin: germline. Affected: yes. Study: VKGL Data-share Consensus. Not counted in ClinVar's aggregate classification.

Genome Diagnostics Laboratory, University Medical Center Utrecht
Classification: Likely benign. Review status: no assertion criteria provided. Collection method: clinical testing. Allele origin: germline. Affected: yes. Study: VKGL Data-share Consensus. Not counted in ClinVar's aggregate classification.